The following is an entry in ClinVar:

NM_015338.6(ASXL1):c.2732C>T (p.Pro911Leu)

Gene: ASXL1 (ASXL transcriptional regulator 1; plus strand). Cytogenetic location: 20q11.21.
Variant type: single nucleotide variant.
Coding change: c.2732C>T on transcript NM_015338.6 (MANE Select); coding-DNA position 2732, C replaced by T.
Protein change: p.Pro911Leu; replaces proline 911 with leucine.
Molecular consequence: missense variant.
Genome position (GRCh38, 1-based): chr20:32,435,444, C>T. VCF-style: chr20-32435444-C-T. GRCh37 (hg19) VCF-style: chr20-31023247-C-T.
Other names: c.2549C>T, p.Pro850Leu (NM_001363734.1); short protein forms P911L, P850L.
Identifiers: ClinVar variation 3438673 (VCV003438673.1).
Genomic context (GRCh38, chr20:32,435,444, plus strand): 5'-TTTCTAACAGTTCTTTGCATTGGATACCCATCCCATCGAATGATGAGGTAGTGAAACAGC[C>T]CAAACCAGAATCCAGAGAACACATACCATCTGTTGAGCCCCAGGTTGGAGAGGAGTGGGA-3'
Protein context (NP_056153.2, residues 901-921): IPSNDEVVKQ[Pro911Leu]KPESREHIPS

ClinVar aggregate classification (germline): Uncertain significance (1 of 4 stars; one submission).

Conditions:
Inborn genetic diseases. Identifiers: MedGen C0950123, MeSH D030342.

gnomAD v4.1: 6 of 1,613,928 alleles (0.00037%); highest among the groups gnomAD compares: Non-Finnish European, 0.00051%; no homozygotes.

Submission:

Ambry Genetics
Classification: Uncertain significance for Inborn genetic diseases. Last evaluated: 2024-11-23. Review status: criteria provided, single submitter. Criteria: Ambry Variant Classification Scheme 2023. Collection method: clinical testing. Allele origin: germline.
Comment: The p.P911L variant (also known as c.2732C>T), located in coding exon 13 of the ASXL1 gene, results from a C to T substitution at nucleotide position 2732. The proline at codon 911 is replaced by leucine, an amino acid with similar properties. This amino acid position is conserved. In addition, this alteration is predicted to be tolerated by in silico analysis. Based on the available evidence, the clinical significance of this variant remains unclear.